The following is an entry in ClinVar:

ClinVar aggregate classification (germline): Uncertain significance (1 of 4 stars; one submission).

Conditions:
Ataxia-telangiectasia syndrome (AT). Also called: Ataxia-telangiectasia, complementation group D; AT, COMPLEMENTATION GROUP C; ATAXIA-TELANGIECTASIA, COMPLEMENTATION GROUP A; ATAXIA-TELANGIECTASIA, FRESNO VARIANT; Ataxia-telangiectasia; Ataxia telangiectasia (A-T). Identifiers: Orphanet 100, MedGen C0004135, MONDO:0008840, OMIM 208900.

Submission:

Labcorp Genetics (formerly Invitae), Labcorp
Classification: Uncertain significance for Ataxia-telangiectasia syndrome. Last evaluated: 2020-02-06. Review status: criteria provided, single submitter. Criteria: Invitae Variant Classification Sherloc (09022015). Collection method: clinical testing. Allele origin: germline.
Comment: This variant has not been reported in the literature in individuals with ATM-related conditions. In summary, the available evidence is currently insufficient to determine the role of this variant in disease. Therefore, it has been classified as a Variant of Uncertain Significance. Algorithms developed to predict the effect of missense changes on protein structure and function (SIFT, PolyPhen-2, Align-GVGD) all suggest that this variant is likely to be tolerated, but these predictions have not been confirmed by published functional studies and their clinical significance is uncertain. This variant is not present in population databases (ExAC no frequency). This sequence change replaces aspartic acid with asparagine at codon 2997 of the ATM protein (p.Asp2997Asn). The aspartic acid residue is weakly conserved and there is a small physicochemical difference between aspartic acid and asparagine.

NM_000051.4(ATM):c.8989G>A (p.Asp2997Asn)

Genes: ATM (ATM serine/threonine kinase; plus strand), C11orf65 (chromosome 11 open reading frame 65; minus strand). Cytogenetic location: 11q22.3.
Variant type: single nucleotide variant.
Coding change: c.8989G>A on transcript NM_000051.4 (MANE Select); coding-DNA position 8989, G replaced by A.
Protein change: p.Asp2997Asn; replaces aspartic acid 2997 with asparagine.
Molecular consequence: missense variant. On other transcripts: intron variant (2).
Genome position (GRCh38, 1-based): chr11:108,365,326, G>A. VCF-style: chr11-108365326-G-A. GRCh37 (hg19) VCF-style: chr11-108236053-G-A.
Other names: c.8989G>A, p.Asp2997Asn (NM_001351834.2); c.640+20594C>T (NM_001330368.2); c.694+20594C>T (NM_001351110.2); short protein forms D2997N.
Identifiers: ClinVar variation 948870 (VCV000948870.10), dbSNP rs2091232028, ClinGen allele CA382530734.